The following is an entry in ClinVar:

NM_003000.3(SDHB):c.566G>A (p.Cys189Tyr)

Gene: SDHB (succinate dehydrogenase complex iron sulfur subunit B; minus strand). Cytogenetic location: 1p36.13.
Variant type: single nucleotide variant.
Coding change: c.566G>A on transcript NM_003000.3 (MANE Select); coding-DNA position 566, G replaced by A.
Protein change: p.Cys189Tyr; replaces cysteine 189 with tyrosine.
Molecular consequence: missense variant.
Genome position (GRCh38, 1-based): chr1:17,024,049, C>T on the plus strand (G>A on the coding strand, the complement: SDHB is on the minus strand). VCF-style: chr1-17024049-C-T. GRCh37 (hg19) VCF-style: chr1-17350544-C-T.
Other names: c.512G>A, p.Cys171Tyr (NM_001407361.1); short protein forms C171Y, C189Y.
Identifiers: ClinVar variation 2202708 (VCV002202708.8), dbSNP rs876658540, ClinGen allele CA338271313.

ClinVar aggregate classification (germline): Likely pathogenic. Review status: criteria provided, multiple submitters, no conflicts (2 of 4 stars). 4 submissions from 4 submitters: Likely pathogenic (4). Last evaluated 2026-07-14.

Conditions:
Pheochromocytoma/paraganglioma syndrome 4. Also called: CAROTID BODY TUMORS AND MULTIPLE EXTRAADRENAL PHEOCHROMOCYTOMAS; PARAGANGLIOMA, FAMILIAL MALIGNANT; PARAGANGLIOMAS, HEREDITARY EXTRAADRENAL; PHEOCHROMOCYTOMA, FAMILIAL EXTRAADRENAL; Paragangliomas 4; SDHB-Related Hereditary Paraganglioma-Pheochromocytoma Syndrome (Paragangliomas 4). Identifiers: Orphanet 29072, MedGen C1861848, MONDO:0007273, OMIM 115310.
Hereditary pheochromocytoma and paraganglioma. Also called: Hereditary Paraganglioma-Pheochromocytoma Syndromes; Hereditary paragangliomas and pheochromocytomas; Hereditary pheochromocytoma-paraganglioma. Identifiers: Orphanet 29072, MedGen C4274332, MONDO:0017366.
Hereditary cancer-predisposing syndrome. Also called: Neoplastic Syndromes, Hereditary; Tumor predisposition; Hereditary neoplastic syndrome; Hereditary Cancer Syndrome. Identifiers: Orphanet 140162, MedGen C0027672, MeSH D009386, MONDO:0015356.
Pheochromocytoma. Also called: MAX-Related Hereditary Paraganglioma-Pheochromocytoma Syndrome. Identifiers: Orphanet 29072, MedGen C0031511, MONDO:0008233, OMIM 171300, HP:0002666.
Gastrointestinal stromal tumor. Also called: Gastrointestinal stromal tumor, somatic; Gastrointestinal stroma tumor. Identifiers: Orphanet 44890, MedGen C0238198, MeSH D046152, MONDO:0011719, OMIM 606764, HP:0100723.

Submissions (4):

Ambry Genetics
Classification: Likely pathogenic for Hereditary cancer-predisposing syndrome. Last evaluated: 2026-07-14. Review status: criteria provided, single submitter. Criteria: Ambry Variant Classification Scheme 2023. Collection method: clinical testing. Allele origin: germline.
Comment: The p.C189Y variant (also known as c.566G>A), located in coding exon 6 of the SDHB gene, results from a G to A substitution at nucleotide position 566. The cysteine at codon 189 is replaced by tyrosine, an amino acid with highly dissimilar properties. This variant was reported in individual(s) with features consistent with SDHB-related hereditary pheochromocytoma-paraganglioma (Bennedb&aelig;k M et al. Hered Cancer Clin Pract, 2016 Jun;14:13). Based on internal structural analysis, this variant is moderately destabilizing to the local structure, is anticipated to disrupt a region of known function and is more destabilizing than multiple nearby pathogenic variants (Astuti D et al. Am J Hum Genet, 2001 Jul;69:49-54; Du Z et al. Proc Natl Acad Sci U S A, 2023 May;120:e2216713120; Lee S et al. J Clin Invest, 2026 Feb;136; Ambry internal data). Other variant(s) at the same codon, p.C189F (c.566G>T), have been identified in individual(s) with features consistent with SDHB-related hereditary pheochromocytoma-paraganglioma (Joshua AM et al. J Clin Endocrinol Metab, 2009 Jan;94:5-9; Ye L et al. Endocr Rev, 2010 Aug;31:578-99; Ambry internal data). This variant is considered to be rare based on population cohorts in the Genome Aggregation Database (gnomAD). This amino acid position is highly conserved in available vertebrate species. In addition, this alteration is predicted to be deleterious by in silico analysis. Based on the majority of available evidence to date, this variant is likely to be pathogenic.

Labcorp Genetics (formerly Invitae), Labcorp
Classification: Likely pathogenic for Gastrointestinal stromal tumor; Pheochromocytoma/paraganglioma syndrome 4; Pheochromocytoma. Last evaluated: 2025-12-14. Review status: criteria provided, single submitter. Criteria: Invitae Variant Classification Sherloc (09022015). Collection method: clinical testing. Allele origin: germline.
Comment: This sequence change replaces cysteine, which is neutral and slightly polar, with tyrosine, which is neutral and polar, at codon 189 of the SDHB protein (p.Cys189Tyr). This variant is not present in population databases (gnomAD no frequency). This missense change has been observed in individuals with paraganglioma (PMID: 27279923; internal data). ClinVar contains an entry for this variant (Variation ID: 2202708). Invitae Evidence Modeling of protein sequence and biophysical properties (such as structural, functional, and spatial information, amino acid conservation, physicochemical variation, residue mobility, and thermodynamic stability) indicates that this missense variant is expected to disrupt SDHB protein function with a positive predictive value of 80%. This variant disrupts the p.Cys189Phe amino acid residue in SDHB. Other variant(s) that disrupt this residue have been determined to be pathogenic (PMID: 19001511; internal data). This suggests that this residue is clinically significant, and that variants that disrupt this residue are likely to be disease-causing. In summary, the currently available evidence indicates that the variant is pathogenic, but additional data are needed to prove that conclusively. Therefore, this variant has been classified as Likely Pathogenic.

EVOGEN
Classification: Likely pathogenic for Pheochromocytoma/paraganglioma syndrome 4. Last evaluated: 2025-02-28. Review status: criteria provided, single submitter. Criteria: ACMG Guidelines, 2015. Collection method: clinical testing. Allele origin: germline. Affected: no.
Comment: PP5: ClinVar classifies this variant as Likely Pathogenic, 2 stars, citing 2 articles (27279923 and 19001511). PM1: UniProt protein SDHB_HUMAN binding site 'Other binding site_189-189' has 5 missense/in-frame variants (5 pathogenic variants, no uncertain, and no benign), which qualifies as strong pathogenic. UniProt protein SDHB_HUMAN domain '4Fe-4S ferredoxin-type' has 93 missense/in-frame variants (26 pathogenic variants, 66 uncertain variants, and 1 benign variant), which qualifies as supporting pathogenic. UniProt protein SDHB_HUMAN region of interest 'Interaction with SDHAF1' has 201 missense/in-frame variants (41 pathogenic variants, 159 uncertain variants, and 1 benign variant), which qualifies as supporting pathogenic. Hot-spot of length 17 amino-acids has 52 missense/in-frame variants (18 pathogenic variants, 34 uncertain variants, and no benign), which qualifies as moderate pathogenic. Limiting strength to Moderate due to co-occurrence with other predictive evidence. PM5: Alternative variant chr1:17024050 A⇒G (Cys189Arg) is classified Likely Pathogenic by LOVD (confirmed using the germline classifier). Alternative variant chr1:17024050 A⇒C (Cys189Gly) is classified Likely Pathogenic by LOVD (confirmed using the germline classifier). Alternative variant chr1:17024049 C⇒A (Cys189Phe) is classified Pathogenic, 2 stars, by ClinVar (confirmed using the germline classifier). Alternative variant chr1:17024048 A⇒C (Cys189Trp) is classified Likely Pathogenic, 1 star, by ClinVar (confirmed using the germline classifier). 4 pathogenic alternative variants identified. Limiting strength to Moderate due to co-occurrence with other predictive evidence. PP3: AlphaMissense = 0.999 is greater than 0.994 ⇒ strong pathogenic. Limiting strength to Moderate due to co-occurrence with other predictive evidence. PM2: Variant not found in gnomAD genomes, good gnomAD genomes coverage = 32.3. Variant not found in gnomAD exomes, good gnomAD exomes coverage = 39.0. Data from ClinVar submitters: VCV002202708.5 Moscow City Health Department financial support

Department of Clinical Genetics, Copenhagen University Hospital, Rigshospitalet
Classification: Likely pathogenic for Hereditary pheochromocytoma and paraganglioma. Last evaluated: 2025-01-24. Review status: criteria provided, single submitter. Criteria: ACMG Guidelines, 2015. Collection method: clinical testing. Allele origin: germline.
Comment: The following ACMG criteria have been used in classification: PM2_SUP; PP3; PP4; PM5; PP2

Literature cited by the submitters: PubMed 11404820 (cited by Ambry Genetics); PubMed 27279923 (cited by 3 submitters); PubMed 37098072 (cited by Ambry Genetics); PubMed 41252211 (cited by Ambry Genetics); PubMed 19001511 (cited by Labcorp Genetics (formerly Invitae), Labcorp).